The following is an entry in ClinVar:

ClinVar aggregate classification (germline): Likely pathogenic (1 of 4 stars; one submission).

Conditions:
Familial thoracic aortic aneurysm and aortic dissection (TAAD). Also called: Thoracic aortic aneurysms and dissections. Identifiers: Orphanet 91387, MedGen C4707243, MONDO:0019625.

Submission:

Ambry Genetics
Classification: Likely pathogenic for Familial thoracic aortic aneurysm and aortic dissection. Last evaluated: 2021-08-02. Review status: criteria provided, single submitter. Criteria: Ambry Variant Classification Scheme 2023. Collection method: clinical testing. Allele origin: germline.
Comment: The c.54delG variant, located in coding exon 1 of the COL5A1 gene, results from a deletion of one nucleotide at nucleotide position 54, causing a translational frameshift with a predicted alternate stop codon (p.L19Cfs*25). The predicted stop codon occurs in the 5&rsquo; end of theCOL5A1 gene. Premature termination codons in the 5&rsquo; end of a gene have been reported to escape nonsense-mediated mRNAdecay and/or lead to re-initiation (Rivas et al. Science. 2015 May 8;348(6235):666-9; Lindeboom et al. Nat Genet. 2016 Oct;48(10):1112-8; Rhee et al. Sci Rep. 2017 May 10;7(1):1653). Direct evidence for this alteration is unavailable, however premature termination codons are typically deleterious in nature. Based on the majority of available evidence to date, this variant is likely to be pathogenic.

NM_000093.5(COL5A1):c.54del (p.Leu19fs)

Gene: COL5A1 (collagen type V alpha 1 chain; plus strand). Cytogenetic location: 9q34.3.
Variant type: Deletion.
Coding change: c.54del on transcript NM_000093.5 (MANE Select); coding-DNA position 54, one base deleted (G; older notation c.54delG).
Protein change: p.Leu19fs; shifts the reading frame from leucine 19.
Molecular consequence: frameshift variant.
Genome position (GRCh38, 1-based): chr9:134,642,241, G deleted. VCF-style (leftmost placement, unchanged base first): chr9-134642240-CG-C. GRCh37 (hg19) VCF-style: chr9-137534086-CG-C.
Other names: c.54del, p.Leu19fs (NM_001278074.1); short protein forms L19fs.
Identifiers: ClinVar variation 1747949 (VCV001747949.2), dbSNP rs2491093863, ClinGen allele CA2580079999.